The following is an entry in ClinVar:

NM_031935.3(HMCN1):c.368T>C (p.Ile123Thr)

Gene: HMCN1 (hemicentin 1; plus strand). Cytogenetic location: 1q31.1.
Variant type: single nucleotide variant.
Coding change: c.368T>C on transcript NM_031935.3 (MANE Select); coding-DNA position 368, T replaced by C.
Protein change: p.Ile123Thr; replaces isoleucine 123 with threonine.
Molecular consequence: missense variant.
Genome position (GRCh38, 1-based): chr1:185,864,498, T>C. VCF-style: chr1-185864498-T-C. GRCh37 (hg19) VCF-style: chr1-185833630-T-C.
Other names: short protein forms I123T.
Identifiers: ClinVar variation 2272310 (VCV002272310.6), dbSNP rs749916461, ClinGen allele CA1290818.

ClinVar aggregate classification (germline): Uncertain significance. Review status: criteria provided, multiple submitters, no conflicts (2 of 4 stars). 2 submissions from 2 submitters: Uncertain significance (2). Last evaluated 2025-05-19.

Allele frequency attached by ClinVar (database versions not stated): gnomAD exomes 0.00001; TOPMed 0.00001; ExAC 0.00002; gnomAD 0.00002.
gnomAD v4.1: 16 of 1,613,976 alleles (0.00099%); highest among the groups gnomAD compares: Non-Finnish European, 0.0014%; no homozygotes.

Submissions (2):

Ambry Genetics
Classification: Uncertain significance. Last evaluated: 2025-05-19. Review status: criteria provided, single submitter. Criteria: Ambry Variant Classification Scheme 2023. Collection method: clinical testing. Allele origin: germline.

Labcorp Genetics (formerly Invitae), Labcorp
Classification: Uncertain significance. Last evaluated: 2022-12-16. Review status: criteria provided, single submitter. Criteria: Invitae Variant Classification Sherloc (09022015). Collection method: clinical testing. Allele origin: germline.
Comment: This variant is present in population databases (rs749916461, gnomAD 0.004%). Algorithms developed to predict the effect of missense changes on protein structure and function are either unavailable or do not agree on the potential impact of this missense change (SIFT: "Deleterious"; PolyPhen-2: "Possibly Damaging"; Align-GVGD: "Class C0"). This variant has not been reported in the literature in individuals affected with HMCN1-related conditions. This sequence change replaces isoleucine, which is neutral and non-polar, with threonine, which is neutral and polar, at codon 123 of the HMCN1 protein (p.Ile123Thr). In summary, the available evidence is currently insufficient to determine the role of this variant in disease. Therefore, it has been classified as a Variant of Uncertain Significance.